The following is an entry in ClinVar:

NM_001378609.3(OTOGL):c.575G>A (p.Arg192Gln)

Gene: OTOGL (otogelin like; plus strand). Cytogenetic location: 12q21.31.
Variant type: single nucleotide variant.
Coding change: c.575G>A on transcript NM_001378609.3 (MANE Select); coding-DNA position 575, G replaced by A.
Protein change: p.Arg192Gln; replaces arginine 192 with glutamine.
Molecular consequence: missense variant.
Genome position (GRCh38, 1-based): chr12:80,229,342, G>A. VCF-style: chr12-80229342-G-A. GRCh37 (hg19) VCF-style: chr12-80623122-G-A.
Other names: c.575G>A, p.Arg192Gln (NM_001368062.3, NM_001378610.3, NM_173591.7); short protein forms R192Q.
Identifiers: ClinVar variation 2386791 (VCV002386791.3), dbSNP rs540892936, ClinGen allele CA6700211.
Genomic context (GRCh38, chr12:80,229,342, plus strand): 5'-GTTCGGTGTATTCTTGTTATCGGTCAATCAGCTTGTTCTTTTCAAACCAAGAGGAAATTC[G>A]AATTTATGGTCATGAAATAAAAAAGAATGGAATCAGGTAGGATATGGGAAACAGTGAAAT-3'
Protein context (NP_001365538.2, residues 182-202): SLFFSNQEEI[Arg192Gln]IYGHEIKKNG

ClinVar aggregate classification (germline): Uncertain significance. Review status: criteria provided, multiple submitters, no conflicts (2 of 4 stars). 2 submissions from 2 submitters: Uncertain significance (2). Last evaluated 2025-01-27.

Conditions:
OTOGL-related disorder. Also called: OTOGL-related condition.
Inborn genetic diseases. Identifiers: MedGen C0950123, MeSH D030342.

Allele frequency attached by ClinVar (database versions not stated): gnomAD exomes 0.00003; ExAC 0.00007; gnomAD 0.00007; 1000 Genomes Project 30x 0.00016; 1000 Genomes Project 0.00020.
gnomAD v4.1: 51 of 1,595,980 alleles (0.0032%); highest among the groups gnomAD compares: South Asian, 0.034%; 2 homozygotes.

Submissions (2):

PreventionGenetics, part of Exact Sciences
Classification: Uncertain significance for OTOGL-related condition. Last evaluated: 2025-01-27. Review status: criteria provided, single submitter. Criteria: ACMG Guidelines, 2015. Collection method: clinical testing. Allele origin: germline.
Comment: The OTOGL c.548G>A variant is predicted to result in the amino acid substitution p.Arg183Gln. To our knowledge, this variant has not been reported in the literature. This variant is reported in 0.029% of alleles in individuals of South Asian descent in gnomAD. At this time, the clinical significance of this variant is uncertain due to the absence of conclusive functional and genetic evidence.

Ambry Genetics
Classification: Uncertain significance for Inborn genetic diseases. Last evaluated: 2022-10-06. Review status: criteria provided, single submitter. Criteria: Ambry Variant Classification Scheme 2023. Collection method: clinical testing. Allele origin: germline.